The following is an entry in ClinVar:

NM_003982.4(SLC7A7):c.622C>T (p.Gln208Ter)

Gene: SLC7A7 (solute carrier family 7 member 7; minus strand). Cytogenetic location: 14q11.2.
Variant type: single nucleotide variant.
Coding change: c.622C>T on transcript NM_003982.4 (MANE Select); coding-DNA position 622, C replaced by T.
Protein change: p.Gln208Ter; replaces glutamine 208 with a stop codon.
Molecular consequence: nonsense.
Genome position (GRCh38, 1-based): chr14:22,779,929, G>A on the plus strand (C>T on the coding strand, the complement: SLC7A7 is on the minus strand). VCF-style: chr14-22779929-G-A. GRCh37 (hg19) VCF-style: chr14-23249138-G-A.
Other names: c.622C>T, p.Gln208Ter (NM_001126105.3, NM_001126106.4); short protein forms Q208*.
Identifiers: ClinVar variation 56373 (VCV000056373.3), dbSNP rs386833821, ClinGen allele CA263833.
Genomic context (GRCh38, chr14:22,779,929, plus strand): 5'-GTGCGGCTCACAGAAAATGCTTAAAAAAGATTAGTTGCTACTAATATTATTTCTTACCCT[G>A]GCCAAGTCTAACAATGCCTGCAACGATGACCGCGATCAGTGCCAATACTTTAGCATAGGT-3'

ClinVar aggregate classification (germline): Pathogenic. Review status: criteria provided, single submitter (1 of 4 stars). 2 submissions from 2 submitters: Pathogenic (1). 1 of the submissions does not count toward it. Last evaluated 2023-08-22.

Conditions:
Lysinuric protein intolerance (LPI). Identifiers: Orphanet 470, MedGen C0268647, MONDO:0009109, OMIM 222700.

Submissions (2):

Baylor Genetics
Classification: Pathogenic for Lysinuric protein intolerance. Last evaluated: 2023-08-22. Review status: criteria provided, single submitter. Criteria: ACMG Guidelines, 2015. Collection method: clinical testing. Allele origin: unknown.

Juha Muilu Group; Institute for Molecular Medicine Finland (FIMM)
Classification: Likely pathogenic for Lysinuric protein intolerance. Review status: no assertion criteria provided. Collection method: not provided. Allele origin: unknown. Not counted in ClinVar's aggregate classification.
Comment: FinDis database variant: This variant was not found or characterized by our laboratory, data were collected from public sources: see reference
ClinVar note: Converted during submission from probable-pathogenic to Likely pathogenic.